The following is an entry in ClinVar:

ClinVar aggregate classification (germline): Uncertain significance (1 of 4 stars; one submission).

Allele frequency attached by ClinVar (database versions not stated): TOPMed below 0.00001; gnomAD exomes 0.00001 and 0.00003; ExAC 0.00007.
gnomAD v4.1: 11 of 1,567,846 alleles (0.0007%); highest among the groups gnomAD compares: Admixed American, 0.0096%; no homozygotes.

Submission:

Labcorp Genetics (formerly Invitae), Labcorp
Classification: Uncertain significance. Last evaluated: 2022-10-17. Review status: criteria provided, single submitter. Criteria: Invitae Variant Classification Sherloc (09022015). Collection method: clinical testing. Allele origin: germline.
Comment: In summary, the available evidence is currently insufficient to determine the role of this variant in disease. Therefore, it has been classified as a Variant of Uncertain Significance. This sequence change replaces isoleucine, which is neutral and non-polar, with valine, which is neutral and non-polar, at codon 1167 of the HTT protein (p.Ile1167Val). This variant is present in population databases (rs377592444, gnomAD 0.02%). This variant has not been reported in the literature in individuals affected with HTT-related conditions. ClinVar contains an entry for this variant (Variation ID: 1386041). Experimental studies and prediction algorithms are not available or were not evaluated, and the functional significance of this variant is currently unknown.

NM_001388492.1(HTT):c.3493A>G (p.Ile1165Val)

Gene: HTT (huntingtin; plus strand). Cytogenetic location: 4p16.3.
Variant type: single nucleotide variant.
Coding change: c.3493A>G on transcript NM_001388492.1 (MANE Select); coding-DNA position 3493, A replaced by G.
Protein change: p.Ile1165Val; replaces isoleucine 1165 with valine.
Molecular consequence: missense variant.
Genome position (GRCh38, 1-based): chr4:3,148,202, A>G. VCF-style: chr4-3148202-A-G. GRCh37 (hg19) VCF-style: chr4-3149929-A-G.
Other names: c.3499A>G, p.Ile1167Val (NM_002111.8); short protein forms I1165V, I1167V.
Identifiers: ClinVar variation 1386041 (VCV001386041.6), dbSNP rs377592444, ClinGen allele CA2824151.